The following is an entry in ClinVar:

NM_001385641.1(SAMD11):c.2402C>T (p.Pro801Leu)

Gene: SAMD11 (sterile alpha motif domain containing 11; plus strand). Cytogenetic location: 1p36.33.
Variant type: single nucleotide variant.
Coding change: c.2402C>T on transcript NM_001385641.1 (MANE Select); coding-DNA position 2402, C replaced by T.
Protein change: p.Pro801Leu; replaces proline 801 with leucine.
Molecular consequence: missense variant.
Genome position (GRCh38, 1-based): chr1:944,020, C>T. VCF-style: chr1-944020-C-T. GRCh37 (hg19) VCF-style: chr1-879400-C-T.
Other names: c.2405C>T, p.Pro802Leu (NM_001385640.1); c.1913C>T, p.Pro638Leu (NM_152486.4); c.1913C>T (NM_152486.2); short protein forms P802L, P801L, P638L.
Identifiers: ClinVar variation 1378374 (VCV001378374.4), dbSNP rs377435523, ClinGen allele CA16728460.

ClinVar aggregate classification (germline): Uncertain significance. Review status: criteria provided, multiple submitters, no conflicts (2 of 4 stars). 2 submissions from 2 submitters: Uncertain significance (2). Last evaluated 2024-01-31.

Allele frequency attached by ClinVar (database versions not stated): gnomAD 0.00001 and 0.00002; gnomAD exomes 0.00002; TOPMed 0.00002; ESP Exome Variant Server 0.00008.
gnomAD v4.1: 32 of 1,612,768 alleles (0.002%); highest among the groups gnomAD compares: Middle Eastern, 0.39%; 2 homozygotes.

Submissions (2):

Ambry Genetics
Classification: Uncertain significance. Last evaluated: 2024-01-31. Review status: criteria provided, single submitter. Criteria: Ambry Variant Classification Scheme 2023. Collection method: clinical testing. Allele origin: germline.

Labcorp Genetics (formerly Invitae), Labcorp
Classification: Uncertain significance. Last evaluated: 2022-07-03. Review status: criteria provided, single submitter. Criteria: Invitae Variant Classification Sherloc (09022015). Collection method: clinical testing. Allele origin: germline.
Comment: This sequence change replaces proline, which is neutral and non-polar, with leucine, which is neutral and non-polar, at codon 638 of the SAMD11 protein (p.Pro638Leu). This variant is not present in population databases (gnomAD no frequency). This variant has not been reported in the literature in individuals affected with SAMD11-related conditions. ClinVar contains an entry for this variant (Variation ID: 1378374). Algorithms developed to predict the effect of missense changes on protein structure and function output the following: SIFT: "Deleterious"; PolyPhen-2: "Benign"; Align-GVGD: "Class C0". The leucine amino acid residue is found in multiple mammalian species, which suggests that this missense change does not adversely affect protein function. In summary, the available evidence is currently insufficient to determine the role of this variant in disease. Therefore, it has been classified as a Variant of Uncertain Significance.